The following is an entry in ClinVar:

ClinVar aggregate classification (germline): Uncertain significance (1 of 4 stars; one submission).

Conditions:
Inborn genetic diseases. Identifiers: MedGen C0950123, MeSH D030342.

gnomAD v4.1: 3 of 1,613,964 alleles (0.00019%); highest among the groups gnomAD compares: Non-Finnish European, 0.00025%; no homozygotes.

Submission:

Ambry Genetics
Classification: Uncertain significance for Inborn genetic diseases. Last evaluated: 2025-04-05. Review status: criteria provided, single submitter. Criteria: Ambry Variant Classification Scheme 2023. Collection method: clinical testing. Allele origin: germline.
Comment: The p.H318Y variant (also known as c.952C>T), located in coding exon 4 of the SH2B3 gene, results from a C to T substitution at nucleotide position 952. The histidine at codon 318 is replaced by tyrosine, an amino acid with similar properties. This amino acid position is conserved. In addition, this alteration is predicted to be tolerated by in silico analysis. Based on the available evidence, the clinical significance of this variant remains unclear.

NM_005475.3(SH2B3):c.952C>T (p.His318Tyr)

Gene: SH2B3 (SH2B adaptor protein 3; plus strand). Cytogenetic location: 12q24.12.
Variant type: single nucleotide variant.
Coding change: c.952C>T on transcript NM_005475.3 (MANE Select); coding-DNA position 952, C replaced by T.
Protein change: p.His318Tyr; replaces histidine 318 with tyrosine.
Molecular consequence: missense variant.
Genome position (GRCh38, 1-based): chr12:111,447,150, C>T. VCF-style: chr12-111447150-C-T. GRCh37 (hg19) VCF-style: chr12-111884954-C-T.
Other names: c.346C>T, p.His116Tyr (NM_001291424.1); short protein forms H116Y, H318Y.
Identifiers: ClinVar variation 3953425 (VCV003953425.1).